The following is an entry in ClinVar:

NM_032888.4(COL27A1):c.3316C>T (p.His1106Tyr)

Gene: COL27A1 (collagen type XXVII alpha 1 chain; plus strand). Cytogenetic location: 9q32.
Variant type: single nucleotide variant.
Coding change: c.3316C>T on transcript NM_032888.4 (MANE Select); coding-DNA position 3316, C replaced by T.
Protein change: p.His1106Tyr; replaces histidine 1106 with tyrosine.
Molecular consequence: missense variant.
Genome position (GRCh38, 1-based): chr9:114,265,087, C>T. VCF-style: chr9-114265087-C-T. GRCh37 (hg19) VCF-style: chr9-117027367-C-T.
Other names: short protein forms H1106Y.
Identifiers: ClinVar variation 2147876 (VCV002147876.1), dbSNP rs758319652, ClinGen allele CA5202411.

ClinVar aggregate classification (germline): Uncertain significance (1 of 4 stars; one submission).

Allele frequency attached by ClinVar (database versions not stated): TOPMed below 0.00001; gnomAD exomes 0.00001; ExAC 0.00003.
gnomAD v4.1: 19 of 1,612,634 alleles (0.0012%); highest among the groups gnomAD compares: Non-Finnish European, 0.0014%; no homozygotes.

Submission:

Labcorp Genetics (formerly Invitae), Labcorp
Classification: Uncertain significance. Last evaluated: 2022-04-17. Review status: criteria provided, single submitter. Criteria: Invitae Variant Classification Sherloc (09022015). Collection method: clinical testing. Allele origin: germline.
Comment: This sequence change replaces histidine, which is basic and polar, with tyrosine, which is neutral and polar, at codon 1106 of the COL27A1 protein (p.His1106Tyr). This variant is present in population databases (rs758319652, gnomAD 0.004%). This variant has not been reported in the literature in individuals affected with COL27A1-related conditions. Advanced modeling of protein sequence and biophysical properties (such as structural, functional, and spatial information, amino acid conservation, physicochemical variation, residue mobility, and thermodynamic stability) performed at Invitae indicates that this missense variant is not expected to disrupt COL27A1 protein function. In summary, the available evidence is currently insufficient to determine the role of this variant in disease. Therefore, it has been classified as a Variant of Uncertain Significance.